The following is an entry in ClinVar:

ClinVar aggregate classification (germline): Uncertain significance (1 of 4 stars; one submission).

Allele frequency attached by ClinVar (database versions not stated): gnomAD 0.00001.
gnomAD v4.1: 9 of 1,246,088 alleles (0.00072%); highest among the groups gnomAD compares: Non-Finnish European, 0.00092%; no homozygotes.

Submission:

GeneDx
Classification: Uncertain significance. Last evaluated: 2022-09-12. Review status: criteria provided, single submitter. Criteria: GeneDx Variant Classification Process June 2021. Collection method: clinical testing. Allele origin: germline. Affected: yes.
Comment: Not observed at significant frequency in large population cohorts (gnomAD); In silico analysis supports that this missense variant does not alter protein structure/function; Has not been previously published as pathogenic or benign to our knowledge

NM_007118.4(TRIO):c.7010G>C (p.Arg2337Pro)

Gene: TRIO (trio Rho guanine nucleotide exchange factor; plus strand). Cytogenetic location: 5p15.2.
Variant type: single nucleotide variant.
Coding change: c.7010G>C on transcript NM_007118.4 (MANE Select); coding-DNA position 7010, G replaced by C.
Protein change: p.Arg2337Pro; replaces arginine 2337 with proline.
Molecular consequence: missense variant. On other transcripts: non-coding transcript variant (1).
Genome position (GRCh38, 1-based): chr5:14,487,638, G>C. VCF-style: chr5-14487638-G-C. GRCh37 (hg19) VCF-style: chr5-14487747-G-C.
Other names: short protein forms R2337P.
Identifiers: ClinVar variation 2443537 (VCV002443537.1), dbSNP rs760882236, ClinGen allele CA359236628.